The following is an entry in ClinVar:

NM_001042492.3(NF1):c.8239G>C (p.Asp2747His)

Gene: NF1 (neurofibromin 1; plus strand). Cytogenetic location: 17q11.2.
Variant type: single nucleotide variant.
Coding change: c.8239G>C on transcript NM_001042492.3 (MANE Select); coding-DNA position 8239, G replaced by C.
Protein change: p.Asp2747His; replaces aspartic acid 2747 with histidine.
Molecular consequence: missense variant.
Genome position (GRCh38, 1-based): chr17:31,360,565, G>C. VCF-style: chr17-31360565-G-C. GRCh37 (hg19) VCF-style: chr17-29687583-G-C.
Other names: c.8176G>C, p.Asp2726His (NM_000267.4); short protein forms D2747H, D2726H.
Identifiers: ClinVar variation 3713388 (VCV003713388.2).
Genomic context (GRCh38, chr17:31,360,565, plus strand): 5'-TATGCTGAGCTTATTGTTAAGTTTCTTGATGCCTTGATTGACACGTACCTGCCTGGAATT[G>C]ATGAAGAAACCAGTGAAGAATCCCTCCTGACTCCCACATCTCCTTACCCTCCTGCACTGC-3'
Protein context (NP_001035957.1, residues 2737-2757): ALIDTYLPGI[Asp2747His]EETSEESLLT

ClinVar aggregate classification (germline): Uncertain significance (1 of 4 stars; one submission).

Conditions:
Neurofibromatosis, type 1 (NF1). Also called: VON RECKLINGHAUSEN DISEASE; NEUROFIBROMATOSIS, TYPE I, SOMATIC; Peripheral type neurofibromatosis; Neurofibromatosis, type I. Identifiers: Orphanet 636, MedGen C0027831, MONDO:0018975, OMIM 162200. Disease mechanism: loss of function.

gnomAD v4.1: 1 of 1,613,960 alleles (0.000062%); highest among the groups gnomAD compares: Non-Finnish European, 0.000085%; no homozygotes.

Submission:

Labcorp Genetics (formerly Invitae), Labcorp
Classification: Uncertain significance for Neurofibromatosis, type 1. Last evaluated: 2025-01-12. Review status: criteria provided, single submitter. Criteria: Invitae Variant Classification Sherloc (09022015). Collection method: clinical testing. Allele origin: germline.
Comment: This sequence change replaces aspartic acid, which is acidic and polar, with histidine, which is basic and polar, at codon 2726 of the NF1 protein (p.Asp2726His). This variant is present in population databases (rs745472917, gnomAD 0.0009%). This variant has not been reported in the literature in individuals affected with NF1-related conditions. Invitae Evidence Modeling of protein sequence and biophysical properties (such as structural, functional, and spatial information, amino acid conservation, physicochemical variation, residue mobility, and thermodynamic stability) indicates that this missense variant is not expected to disrupt NF1 protein function with a negative predictive value of 95%. In summary, the available evidence is currently insufficient to determine the role of this variant in disease. Therefore, it has been classified as a Variant of Uncertain Significance.